The following is an entry in ClinVar:

NM_000046.5(ARSB):c.873C>A (p.Asn291Lys)

Gene: ARSB (arylsulfatase B; minus strand). Cytogenetic location: 5q14.1.
Variant type: single nucleotide variant.
Coding change: c.873C>A on transcript NM_000046.5 (MANE Select); coding-DNA position 873, C replaced by A.
Protein change: p.Asn291Lys; replaces asparagine 291 with lysine.
Molecular consequence: missense variant.
Genome position (GRCh38, 1-based): chr5:78,955,320, G>T on the plus strand (C>A on the coding strand, the complement: ARSB is on the minus strand). VCF-style: chr5-78955320-G-T. GRCh37 (hg19) VCF-style: chr5-78251143-G-T.
Other names: c.873C>A, p.Asn291Lys (NM_198709.3); short protein forms N291K.
Identifiers: ClinVar variation 1354568 (VCV001354568.8), dbSNP rs2112483415, ClinGen allele CA360191942.

ClinVar aggregate classification (germline): Uncertain significance (1 of 4 stars; one submission).

Conditions:
Mucopolysaccharidosis type 6 (MPS6). Also called: MPS VI; MPS 6; Maroteaux Lamy syndrome; N-ACETYLGALACTOSAMINE-4-SULFATASE DEFICIENCY; ARSB DEFICIENCY; ARYLSULFATASE B DEFICIENCY. Identifiers: Orphanet 583, MedGen C0026709, MONDO:0009661, OMIM 253200.

gnomAD v4.1: 1 of 1,614,184 alleles (0.000062%); no homozygotes.

Submission:

Labcorp Genetics (formerly Invitae), Labcorp
Classification: Uncertain significance for Mucopolysaccharidosis type 6. Last evaluated: 2021-05-18. Review status: criteria provided, single submitter. Criteria: Invitae Variant Classification Sherloc (09022015). Collection method: clinical testing. Allele origin: germline.
Comment: This sequence change replaces asparagine with lysine at codon 291 of the ARSB protein (p.Asn291Lys). The asparagine residue is moderately conserved and there is a moderate physicochemical difference between asparagine and lysine. This variant is not present in population databases (ExAC no frequency). This variant has not been reported in the literature in individuals with ARSB-related conditions. Advanced modeling of protein sequence and biophysical properties (such as structural, functional, and spatial information, amino acid conservation, physicochemical variation, residue mobility, and thermodynamic stability) performed at Invitae indicates that this missense variant is not expected to disrupt ARSB protein function. In summary, the available evidence is currently insufficient to determine the role of this variant in disease. Therefore, it has been classified as a Variant of Uncertain Significance.